The following is an entry in ClinVar:

ClinVar aggregate classification (germline): Uncertain significance. Review status: criteria provided, multiple submitters, no conflicts (2 of 4 stars). 2 submissions from 2 submitters: Uncertain significance (2). Last evaluated 2022-05-25.

Conditions:
Inborn genetic diseases. Identifiers: MedGen C0950123, MeSH D030342.
Nephronophthisis 15 (NPHP15). Identifiers: Orphanet 3156, MedGen C3541853, MONDO:0013917, OMIM 614845.

Allele frequency attached by ClinVar (database versions not stated): TOPMed below 0.00001; gnomAD exomes 0.00001 and 0.00002; ExAC 0.00002.
gnomAD v4.1: 17 of 1,613,986 alleles (0.0011%); highest among the groups gnomAD compares: East Asian, 0.038%; no homozygotes.

Submissions (2):

Ambry Genetics
Classification: Uncertain significance for Inborn genetic diseases. Last evaluated: 2022-05-25. Review status: criteria provided, single submitter. Criteria: Ambry Variant Classification Scheme 2023. Collection method: clinical testing. Allele origin: germline.

Labcorp Genetics (formerly Invitae), Labcorp
Classification: Uncertain significance for Nephronophthisis 15. Last evaluated: 2021-09-01. Review status: criteria provided, single submitter. Criteria: Invitae Variant Classification Sherloc (09022015). Collection method: clinical testing. Allele origin: germline.
Comment: This sequence change replaces glycine with arginine at codon 1341 of the CEP164 protein (p.Gly1341Arg). The glycine residue is highly conserved and there is a moderate physicochemical difference between glycine and arginine. This variant is present in population databases (rs781132728, ExAC 0.02%). This variant has not been reported in the literature in individuals affected with CEP164-related conditions. Algorithms developed to predict the effect of missense changes on protein structure and function are either unavailable or do not agree on the potential impact of this missense change (SIFT: "Deleterious"; PolyPhen-2: "Probably Damaging"; Align-GVGD: "Class C0"). In summary, the available evidence is currently insufficient to determine the role of this variant in disease. Therefore, it has been classified as a Variant of Uncertain Significance.

NM_014956.5(CEP164):c.4021G>C (p.Gly1341Arg)

Gene: CEP164 (centrosomal protein 164; plus strand). Cytogenetic location: 11q23.3.
Variant type: single nucleotide variant.
Coding change: c.4021G>C on transcript NM_014956.5 (MANE Select); coding-DNA position 4021, G replaced by C.
Protein change: p.Gly1341Arg; replaces glycine 1341 with arginine.
Molecular consequence: missense variant.
Genome position (GRCh38, 1-based): chr11:117,409,890, G>C. VCF-style: chr11-117409890-G-C. GRCh37 (hg19) VCF-style: chr11-117280606-G-C.
Other names: c.4006G>C, p.Gly1336Arg (NM_001271933.2); c.4021G>C (NM_014956.4); short protein forms G1336R, G1341R.
Identifiers: ClinVar variation 1501908 (VCV001501908.6), dbSNP rs781132728, ClinGen allele CA6295647.